The following is an entry in ClinVar:

NM_000168.6(GLI3):c.1496_1497dup (p.His500fs)

Gene: GLI3 (GLI family zinc finger 3; minus strand). Cytogenetic location: 7p14.1.
Variant type: Duplication.
Coding change: c.1496_1497dup on transcript NM_000168.6 (MANE Select); coding-DNA positions 1496 to 1497, 2 bases duplicated (AC; older notation c.1496_1497dupAC).
Protein change: p.His500fs; shifts the reading frame from histidine 500.
Molecular consequence: frameshift variant.
Genome position (GRCh38, 1-based): chr7:42,023,468-42,023,469, GT duplicated on the plus strand (AC on the coding strand, the reverse complement: GLI3 is on the minus strand); duplicating any 2 consecutive bases within chr7:42,023,468-42,023,470 gives the same sequence; the c. name uses the placement nearest the transcript's 3' end. VCF-style (leftmost placement, unchanged base first): chr7-42023467-C-CGT. GRCh37 (hg19) VCF-style: chr7-42063066-C-CGT.
Other names: short protein forms H500fs.
Identifiers: ClinVar variation 3345726 (VCV003345726.1).

ClinVar aggregate classification (germline): Likely pathogenic (0 of 4 stars; one submission).

Conditions:
GLI3-related disorder. Also called: GLI3-related condition; GLI3-related disorders. Identifiers: MedGen CN239292.

Submission:

PreventionGenetics, part of Exact Sciences
Classification: Likely pathogenic for GLI3-related condition. Last evaluated: 2024-08-08. Review status: no assertion criteria provided. Collection method: clinical testing. Allele origin: germline.
Comment: The GLI3 c.1496_1497dupAC variant is predicted to result in a frameshift and premature protein termination (p.His500Thrfs*3). To our knowledge, this variant has not been reported in the literature or in a large population database, indicating this variant is rare. Nonsense variants in GLI3 are expected to be pathogenic. This variant is interpreted as likely pathogenic.